The following is an entry in ClinVar:

NM_177986.5(DSG4):c.417G>C (p.Arg139Ser)

Genes: DSG1-AS1 (DSG1 antisense RNA 1; minus strand), DSG4 (desmoglein 4; plus strand). Cytogenetic location: 18q12.1.
Variant type: single nucleotide variant.
Coding change: c.417G>C on transcript NM_177986.5 (MANE Select); coding-DNA position 417, G replaced by C.
Protein change: p.Arg139Ser; replaces arginine 139 with serine.
Molecular consequence: missense variant.
Genome position (GRCh38, 1-based): chr18:31,388,918, G>C. VCF-style: chr18-31388918-G-C. GRCh37 (hg19) VCF-style: chr18-28968881-G-C.
Other names: c.417G>C, p.Arg139Ser (NM_001134453.3); short protein forms R139S.
Identifiers: ClinVar variation 326420 (VCV000326420.10), dbSNP rs76399598, ClinGen allele CA8926717.

ClinVar aggregate classification (germline): Uncertain significance. Review status: criteria provided, multiple submitters, no conflicts (2 of 4 stars). 3 submissions from 3 submitters: Uncertain significance (3). Last evaluated 2023-03-14.

Conditions:
Inborn genetic diseases. Identifiers: MedGen C0950123, MeSH D030342.
Hypotrichosis 6 (HYPT6). Also called: HYPOTRICHOSIS, LOCALIZED, AUTOSOMAL RECESSIVE 1; MONILETHRIX-LIKE HYPOTRICHOSIS. Identifiers: Orphanet 55654, MedGen C1842839, MONDO:0011932, OMIM 607903.

Allele frequency attached by ClinVar (database versions not stated): gnomAD 0.00013 and 0.00014; TOPMed 0.00015; 1000 Genomes Project 30x 0.00016; 1000 Genomes Project 0.00020; ESP Exome Variant Server 0.00031.
gnomAD v4.1: 411 of 1,613,626 alleles (0.025%); highest among the groups gnomAD compares: Non-Finnish European, 0.032%; 2 homozygotes.

Submissions (3):

Ambry Genetics
Classification: Uncertain significance for Inborn genetic diseases. Last evaluated: 2023-03-14. Review status: criteria provided, single submitter. Criteria: Ambry Variant Classification Scheme 2023. Collection method: clinical testing. Allele origin: germline.

Labcorp Genetics (formerly Invitae), Labcorp
Classification: Uncertain significance. Last evaluated: 2022-01-16. Review status: criteria provided, single submitter. Criteria: Invitae Variant Classification Sherloc (09022015). Collection method: clinical testing. Allele origin: germline.
Comment: This sequence change replaces arginine, which is basic and polar, with serine, which is neutral and polar, at codon 139 of the DSG4 protein (p.Arg139Ser). This variant is present in population databases (rs76399598, gnomAD 0.02%). This variant has not been reported in the literature in individuals affected with DSG4-related conditions. ClinVar contains an entry for this variant (Variation ID: 326420). Algorithms developed to predict the effect of missense changes on protein structure and function output the following: SIFT: "Not Available"; PolyPhen-2: "Benign"; Align-GVGD: "Not Available". The serine amino acid residue is found in multiple mammalian species, which suggests that this missense change does not adversely affect protein function. In summary, the available evidence is currently insufficient to determine the role of this variant in disease. Therefore, it has been classified as a Variant of Uncertain Significance.

Illumina Laboratory Services, Illumina
Classification: Uncertain significance for Hypotrichosis 6. Last evaluated: 2018-01-13. Review status: criteria provided, single submitter. Criteria: ICSL Variant Classification Criteria 13 December 2019. Collection method: clinical testing. Allele origin: germline.